The following is an entry in ClinVar:

NM_152564.5(VPS13B):c.969A>G (p.Gln323=)

Gene: VPS13B (vacuolar protein sorting 13 homolog B; plus strand). Cytogenetic location: 8q22.2.
Variant type: single nucleotide variant.
Coding change: c.969A>G on transcript NM_152564.5 (MANE Select); coding-DNA position 969, A replaced by G.
Protein change: p.Gln323=; no amino-acid change (glutamine 323 retained).
Molecular consequence: synonymous variant. On other transcripts: non-coding transcript variant (1).
Genome position (GRCh38, 1-based): chr8:99,121,208, A>G. VCF-style: chr8-99121208-A-G. GRCh37 (hg19) VCF-style: chr8-100133436-A-G.
Other names: c.969A>G, p.Gln323= (NM_015243.3, NM_017890.5, NM_181661.3); c.969A>G (NM_152564.4).
Identifiers: ClinVar variation 1559973 (VCV001559973.9), dbSNP rs1443301786, ClinGen allele CA462463784.
Genomic context (GRCh38, chr8:99,121,208, plus strand): 5'-ATTTAAAATGACTTAATTTTAATTGATAGGTTCTGAAGATGAAACAAGAATAGATATGCA[A>G]TATCCTGCTCAGCATAAAGGTCAAGAGTTATATTCACAGCAAGATGAGGAGCAGCCACAG-3'
Protein context (NP_689777.3, residues 313-333): GSEDETRIDM[Gln323=]YPAQHKGQEL

ClinVar aggregate classification (germline): Likely benign. Review status: criteria provided, single submitter (1 of 4 stars). 2 submissions from 2 submitters: Likely benign (1). 1 of the submissions does not count toward it. Last evaluated 2021-07-21.

Conditions:
VPS13B-related disorder. Also called: VPS13B-related condition.
Cohen syndrome (COH1). Also called: PEPPER SYNDROME; Cutis verticis gyrata, retinitis pigmentosa, and sensorineural deafness. Identifiers: Orphanet 193, MedGen C0265223, MONDO:0008999, OMIM 216550.

Allele frequency attached by ClinVar (database versions not stated): gnomAD exomes below 0.00001; TOPMed below 0.00001; gnomAD 0.00001.
gnomAD v4.1: 4 of 1,613,890 alleles (0.00025%); highest among the groups gnomAD compares: Non-Finnish European, 0.00034%; no homozygotes.

Submissions (2):

Labcorp Genetics (formerly Invitae), Labcorp
Classification: Likely benign for Cohen syndrome. Last evaluated: 2021-07-21. Review status: criteria provided, single submitter. Criteria: Invitae Variant Classification Sherloc (09022015). Collection method: clinical testing. Allele origin: germline.

PreventionGenetics, part of Exact Sciences
Classification: Likely benign for VPS13B-related condition. Last evaluated: 2023-09-17. Review status: no assertion criteria provided. Collection method: clinical testing. Allele origin: germline. Not counted in ClinVar's aggregate classification.
Comment: This variant is classified as likely benign based on ACMG/AMP sequence variant interpretation guidelines (Richards et al. 2015 PMID: 25741868, with internal and published modifications).